The following is an entry in ClinVar:

NM_001379200.1(TBX1):c.523G>A (p.Asp175Asn)

Gene: TBX1 (T-box transcription factor 1; plus strand). Cytogenetic location: 22q11.21.
Variant type: single nucleotide variant.
Coding change: c.523G>A on transcript NM_001379200.1 (MANE Select); coding-DNA position 523, G replaced by A.
Protein change: p.Asp175Asn; replaces aspartic acid 175 with asparagine.
Molecular consequence: missense variant.
Genome position (GRCh38, 1-based): chr22:19,763,326, G>A. VCF-style: chr22-19763326-G-A. GRCh37 (hg19) VCF-style: chr22-19750849-G-A.
Other names: c.496G>A, p.Asp166Asn (NM_005992.1, NM_080646.2, NM_080647.1); short protein forms D166N, D175N.
Identifiers: ClinVar variation 1017250 (VCV001017250.8), dbSNP rs371125236, ClinGen allele CA10102461.
Genomic context (GRCh38, chr22:19,763,326, plus strand): 5'-AAGCTCTTCGGCATGGATCCCATGGCCGACTATATGCTGCTCATGGACTTCGTGCCGGTG[G>A]ACGATAAGCGCTACCGGTGAGCGAGTGGTTGTAAGCGTGAGGGACCGGGAGGGCACCCTG-3'
Protein context (NP_001366129.1, residues 165-185): YMLLMDFVPV[Asp175Asn]DKRYRYAFHS

ClinVar aggregate classification (germline): Uncertain significance (1 of 4 stars; one submission).

Conditions:
DiGeorge syndrome. Also called: THIRD AND FOURTH PHARYNGEAL POUCH SYNDROME; Catch22. Identifiers: Orphanet 567, MedGen C0012236, MONDO:0008564, OMIM 188400.

Allele frequency attached by ClinVar (database versions not stated): gnomAD exomes below 0.00001 and 0.00001; ExAC 0.00002; ESP Exome Variant Server 0.00008.
gnomAD v4.1: 2 of 1,614,206 alleles (0.00012%); highest among the groups gnomAD compares: Admixed American, 0.0033%; no homozygotes.

Submission:

Labcorp Genetics (formerly Invitae), Labcorp
Classification: Uncertain significance for DiGeorge syndrome. Last evaluated: 2022-02-19. Review status: criteria provided, single submitter. Criteria: Invitae Variant Classification Sherloc (09022015). Collection method: clinical testing. Allele origin: germline.
Comment: This sequence change replaces aspartic acid, which is acidic and polar, with asparagine, which is neutral and polar, at codon 166 of the TBX1 protein (p.Asp166Asn). This variant is present in population databases (rs371125236, gnomAD 0.007%). This variant has not been reported in the literature in individuals affected with TBX1-related conditions. ClinVar contains an entry for this variant (Variation ID: 1017250). Algorithms developed to predict the effect of missense changes on protein structure and function are either unavailable or do not agree on the potential impact of this missense change (SIFT: "Deleterious"; PolyPhen-2: "Possibly Damaging"; Align-GVGD: "Class C0"). In summary, the available evidence is currently insufficient to determine the role of this variant in disease. Therefore, it has been classified as a Variant of Uncertain Significance.